The following is an entry in ClinVar:

NM_004082.5(DCTN1):c.1572C>T (p.Thr524=)

Gene: DCTN1 (dynactin subunit 1; minus strand). Cytogenetic location: 2p13.1.
Variant type: single nucleotide variant.
Coding change: c.1572C>T on transcript NM_004082.5 (MANE Select); coding-DNA position 1572, C replaced by T.
Protein change: p.Thr524=; no amino-acid change (threonine 524 retained).
Molecular consequence: synonymous variant. On other transcripts: non-coding transcript variant (1).
Genome position (GRCh38, 1-based): chr2:74,369,312, G>A on the plus strand (C>T on the coding strand, the complement: DCTN1 is on the minus strand). VCF-style: chr2-74369312-G-A. GRCh37 (hg19) VCF-style: chr2-74596439-G-A.
Other names: p.Thr524=; c.1512C>T, p.Thr504= (NM_001135040.3); c.1170C>T, p.Thr390= (NM_001135041.3, NM_023019.4); c.1461C>T, p.Thr487= (NM_001190836.2); c.1551C>T, p.Thr517= (NM_001190837.2); c.1521C>T, p.Thr507= (NM_001378991.1); c.1503C>T, p.Thr501= (NM_001378992.1).
Identifiers: ClinVar variation 2947530 (VCV002947530.5), dbSNP rs767084159, ClinGen allele CA1722118.
Genomic context (GRCh38, chr2:74,369,312, plus strand): 5'-GGAAGCCCTGGGGTGATGGTGGGCAGAGAGCAAACAGTGGGCATGTACCTGTAGATGGGC[G>A]GTCAGCTGGCGGTACTTCTTGATGGTCTGCTGGTAGTCTGCAACCGTCTCCTGGGCTGCC-3'
Protein context (NP_004073.2, residues 514-534): QQTIKKYRQL[Thr524=]AHLQDVNREL

ClinVar aggregate classification (germline): Likely benign. Review status: criteria provided, multiple submitters, no conflicts (2 of 4 stars). 3 submissions from 3 submitters: Likely benign (3). Last evaluated 2026-04-15.

Conditions:
Perry syndrome. Also called: PARKINSONISM WITH ALVEOLAR HYPOVENTILATION AND MENTAL DEPRESSION. Identifiers: Orphanet 178509, MedGen C1868594, MONDO:0008201, OMIM 168605.
Amyotrophic lateral sclerosis type 1 (ALS1). Also called: AMYOTROPHIC LATERAL SCLEROSIS 1, FAMILIAL. Identifiers: Orphanet 803, MedGen C1862939, MONDO:0007103, OMIM 105400.
Neuronopathy, distal hereditary motor, type 7B. Also called: Distal Hereditary Motor Neuronopathy Type 7B (dHMN7B); NEURONOPATHY, DISTAL HEREDITARY MOTOR, AUTOSOMAL DOMINANT 14; NEURONOPATHY, DISTAL HEREDITARY MOTOR, HARDING TYPE VIIB; NEUROPATHY, DISTAL HEREDITARY MOTOR, HARDING TYPE VIIB; NEUROPATHY, DISTAL HEREDITARY MOTOR, WITH VOCAL CORD PARALYSIS, HARDING TYPE VIIB; HMN VIIB. Identifiers: Orphanet 139589, MedGen C1843315, MONDO:0011879, OMIM 607641.
DCTN1-related disorder. Also called: DCTN1-related condition.

Allele frequency attached by ClinVar (database versions not stated): ExAC 0.00005.
gnomAD v4.1: 61 of 1,614,080 alleles (0.0038%); highest among the groups gnomAD compares: South Asian, 0.0044%; no homozygotes.

Submissions (3):

PreventionGenetics, part of Exact Sciences
Classification: Likely benign for DCTN1-related condition. Last evaluated: 2026-04-15. Review status: criteria provided, single submitter. Criteria: ACMG Guidelines, 2015. Collection method: clinical testing. Allele origin: germline.
Comment: This variant is classified as likely benign based on ACMG/AMP sequence variant interpretation guidelines (Richards et al. 2015 PMID: 25741868, with internal and published modifications).

Labcorp Genetics (formerly Invitae), Labcorp
Classification: Likely benign for Amyotrophic lateral sclerosis type 1; Neuronopathy, distal hereditary motor, type 7B; Perry syndrome. Last evaluated: 2026-01-25. Review status: criteria provided, single submitter. Criteria: Invitae Variant Classification Sherloc (09022015). Collection method: clinical testing. Allele origin: germline.

Mayo Clinic Laboratories, Mayo Clinic
Classification: Likely benign. Last evaluated: 2025-03-17. Review status: criteria provided, single submitter. Criteria: ACMG Guidelines, 2015. Collection method: clinical testing. Allele origin: germline. Observed: 1 variant allele.
Comment: BP4, BP7